The following is an entry in ClinVar:

NM_002386.4(MC1R):c.880G>T (p.Asp294Tyr)

Gene: MC1R (melanocortin 1 receptor; plus strand). Cytogenetic location: 16q24.3.
Variant type: single nucleotide variant.
Coding change: c.880G>T on transcript NM_002386.4 (MANE Select); coding-DNA position 880, G replaced by T.
Protein change: p.Asp294Tyr; replaces aspartic acid 294 with tyrosine.
Molecular consequence: missense variant.
Genome position (GRCh38, 1-based): chr16:89,920,138, G>T. VCF-style: chr16-89920138-G-T. GRCh37 (hg19) VCF-style: chr16-89986546-G-T.
Other names: short protein forms D294Y.
Identifiers: ClinVar variation 2199191 (VCV002199191.4), dbSNP rs1805009, ClinGen allele CA397463671.

ClinVar aggregate classification (germline): Uncertain significance (1 of 4 stars; one submission).

Conditions:
Melanoma, cutaneous malignant, susceptibility to, 5. Also called: Cutaneous malignant melanoma 5. Identifiers: Orphanet 618, MedGen C2751295, MONDO:0013133, OMIM 613099.

Submission:

Labcorp Genetics (formerly Invitae), Labcorp
Classification: Uncertain significance for Melanoma, cutaneous malignant, susceptibility to, 5. Last evaluated: 2022-03-06. Review status: criteria provided, single submitter. Criteria: Invitae Variant Classification Sherloc (09022015). Collection method: clinical testing. Allele origin: germline.
Comment: In summary, the available evidence is currently insufficient to determine the role of this variant in disease. Therefore, it has been classified as a Variant of Uncertain Significance. Algorithms developed to predict the effect of missense changes on protein structure and function (SIFT, PolyPhen-2, Align-GVGD) all suggest that this variant is likely to be disruptive. This missense change has been observed in individual(s) with melanoma (PMID: 25736238). This variant is not present in population databases (gnomAD no frequency). This sequence change replaces aspartic acid, which is acidic and polar, with tyrosine, which is neutral and polar, at codon 294 of the MC1R protein (p.Asp294Tyr).

Literature cited by the submitters: PubMed 25736238.